The following is an entry in ClinVar:

NM_002029.4(FPR1):c.80T>A (p.Ile27Asn)

Gene: FPR1 (formyl peptide receptor 1; minus strand). Cytogenetic location: 19q13.41.
Variant type: single nucleotide variant.
Coding change: c.80T>A on transcript NM_002029.4 (MANE Select); coding-DNA position 80, T replaced by A.
Protein change: p.Ile27Asn; replaces isoleucine 27 with asparagine.
Molecular consequence: missense variant.
Genome position (GRCh38, 1-based): chr19:51,746,915, A>T on the plus strand (T>A on the coding strand, the complement: FPR1 is on the minus strand). VCF-style: chr19-51746915-A-T. GRCh37 (hg19) VCF-style: chr19-52250168-A-T.
Other names: c.80T>A, p.Ile27Asn (NM_001193306.2); short protein forms I27N.
Identifiers: ClinVar variation 1021976 (VCV001021976.10), dbSNP rs143088639, ClinGen allele CA9616534.

ClinVar aggregate classification (germline): Uncertain significance (1 of 4 stars; one submission).

Conditions:
Gingival disorder. Also called: Gingival disease. Identifiers: MedGen C0017563, MONDO:0002021.

Allele frequency attached by ClinVar (database versions not stated): gnomAD 0.00001; ExAC 0.00002; gnomAD exomes 0.00002; TOPMed 0.00002; ESP Exome Variant Server 0.00015.

Submission:

Labcorp Genetics (formerly Invitae), Labcorp
Classification: Uncertain significance for Gingival disorder. Last evaluated: 2024-11-03. Review status: criteria provided, single submitter. Criteria: Invitae Variant Classification Sherloc (09022015). Collection method: clinical testing. Allele origin: germline.
Comment: This sequence change replaces isoleucine, which is neutral and non-polar, with asparagine, which is neutral and polar, at codon 27 of the FPR1 protein (p.Ile27Asn). This variant is present in population databases (rs143088639, gnomAD 0.004%). This variant has not been reported in the literature in individuals affected with FPR1-related conditions. ClinVar contains an entry for this variant (Variation ID: 1021976). An algorithm developed to predict the effect of missense changes on protein structure and function (PolyPhen-2) suggests that this variant is likely to be tolerated. In summary, the available evidence is currently insufficient to determine the role of this variant in disease. Therefore, it has been classified as a Variant of Uncertain Significance.